The following is an entry in ClinVar:

ClinVar aggregate classification (germline): Uncertain significance (1 of 4 stars; one submission).

Conditions:
Hereditary cancer-predisposing syndrome. Also called: Hereditary Cancer Syndrome; Hereditary neoplastic syndrome; Tumor predisposition; Neoplastic Syndromes, Hereditary. Identifiers: Orphanet 140162, MedGen C0027672, MeSH D009386, MONDO:0015356.

gnomAD v4.1: 1 of 1,614,128 alleles (0.000062%); highest among the groups gnomAD compares: Non-Finnish European, 0.000085%; no homozygotes.

Submission:

Ambry Genetics
Classification: Uncertain significance for Hereditary cancer-predisposing syndrome. Last evaluated: 2024-08-22. Review status: criteria provided, single submitter. Criteria: Ambry Variant Classification Scheme 2023. Collection method: clinical testing. Allele origin: germline.
Comment: The p.R472Q variant (also known as c.1415G>A) is located in coding exon 7 of the ALK gene. The arginine at codon 472 is replaced by glutamine, an amino acid with highly similar properties. This change occurs in the first base pair of coding exon 7. This amino acid position is conserved. In addition, this alteration is predicted to be tolerated by in silico analysis. Based on the available evidence, the clinical significance of this variant remains unclear.

NM_004304.5(ALK):c.1415G>A (p.Arg472Gln)

Gene: ALK (ALK receptor tyrosine kinase; minus strand). Cytogenetic location: 2p23.2.
Variant type: single nucleotide variant.
Coding change: c.1415G>A on transcript NM_004304.5 (MANE Select); coding-DNA position 1415, G replaced by A.
Protein change: p.Arg472Gln; replaces arginine 472 with glutamine.
Molecular consequence: missense variant.
Genome position (GRCh38, 1-based): chr2:29,320,882, C>T on the plus strand (G>A on the coding strand, the complement: ALK is on the minus strand). VCF-style: chr2-29320882-C-T. GRCh37 (hg19) VCF-style: chr2-29543748-C-T.
Other names: short protein forms R472Q.
Identifiers: ClinVar variation 3524444 (VCV003524444.1).